The following is an entry in ClinVar:

ClinVar aggregate classification (germline): Likely benign (1 of 4 stars; one submission).

Conditions:
ATP7B-related disorder. Also called: ATP7B-related condition.

gnomAD v4.1: 3 of 152,372 alleles (0.002%); highest among the groups gnomAD compares: Non-Finnish European, 0.0044%; no homozygotes.

Submission:

PreventionGenetics, part of Exact Sciences
Classification: Likely benign for ATP7B-related condition. Last evaluated: 2025-12-31. Review status: criteria provided, single submitter. Criteria: ACMG Guidelines, 2015. Collection method: clinical testing. Allele origin: germline.
Comment: This variant is classified as likely benign based on ACMG/AMP sequence variant interpretation guidelines (Richards et al. 2015 PMID: 25741868, with internal and published modifications).

NC_000013.11:g.52011749C>A

Genes: ATP7B (ATPase copper transporting beta; minus strand), LOC130009838 (ATAC-STARR-seq lymphoblastoid silent region 5378; plus strand). Cytogenetic location: 13q14.3.
Variant type: single nucleotide variant.
Molecular consequence: 5 prime UTR variant (on NM_001406512.1). On other transcripts: intron variant (9).
Genome position: GRCh38 VCF-style: chr13-52011749-C-A. GRCh37 (hg19) VCF-style: chr13-52585885-C-A.
Other names: c.-147G>T (NM_001406512.1, NM_001406516.1, NM_001406522.1); c.-331G>T (NM_001406532.1); c.-55+271G>T (NM_001406541.1, NM_001406531.1, NM_001406527.1 and 4 more transcripts); c.-184+271G>T (NM_001406543.1); c.-238-174G>T (NM_001406528.1).
Identifiers: ClinVar variation 4978498 (VCV004978498.1).